The following is an entry in ClinVar:

ClinVar aggregate classification (germline): Uncertain significance (1 of 4 stars; one submission).

Conditions:
Split hand-foot malformation 1. Also called: SPLIT-HAND DEFORMITY; SPLIT-HAND/FOOT DEFORMITY 1; Split hand foot deformity 1; Split hand malformation1; SPLIT-HAND/FOOT MALFORMATION 1 WITH OR WITHOUT DEAFNESS; Split-hand/foot malformation 1. Identifiers: Orphanet 2440, MedGen C2931019, MONDO:0008464, OMIM 183600.

Submission:

Juno Genomics, Hangzhou Juno Genomics, Inc
Classification: Uncertain significance for Split hand-foot malformation 1. Review status: criteria provided, single submitter. Criteria: ACMG Guidelines, 2015. Collection method: clinical testing. Allele origin: germline. Affected: yes.
Comment: Absent from controls (or at extremely low frequency if recessive) in Genome Aggregation Database, Exome Sequencing Project, 1000 Genomes Project, or Exome Aggregation Consortium.;Protein length changes due to in-frame deletions/insertions in a non-repeat region or stop-loss variants.;Patient's phenotype or family history is highly specific for a disease with a single genetic etiology.

NM_005221.6(DLX5):c.868T>G (p.Ter290Glu)

Gene: DLX5 (distal-less homeobox 5; minus strand). Cytogenetic location: 7q21.3.
Variant type: single nucleotide variant.
Coding change: c.868T>G on transcript NM_005221.6 (MANE Select); coding-DNA position 868, T replaced by G.
Protein change: p.Ter290Glu.
Molecular consequence: stop lost.
Genome position (GRCh38, 1-based): chr7:97,020,738, A>C on the plus strand (T>G on the coding strand, the complement: DLX5 is on the minus strand). VCF-style: chr7-97020738-A-C. GRCh37 (hg19) VCF-style: chr7-96650050-A-C.
Identifiers: ClinVar variation 3381862 (VCV003381862.2).